The following is an entry in ClinVar:

ClinVar aggregate classification (germline): Likely benign (1 of 4 stars; one submission).

Allele frequency attached by ClinVar (database versions not stated): ExAC 0.00029.

Submission:

CeGaT Center for Human Genetics Tuebingen
Classification: Likely benign. Last evaluated: 2023-02-01. Review status: criteria provided, single submitter. Criteria: CeGaT Center For Human Genetics Tuebingen Variant Classification Criteria Version 2. Collection method: clinical testing. Allele origin: germline. Affected: yes. Observed: 1 variant allele.
Comment: ANAPC1: BP4, BP7

NM_022662.4(ANAPC1):c.1143T>C (p.His381=)

Gene: ANAPC1 (anaphase promoting complex subunit 1; minus strand). Cytogenetic location: 2q13.
Variant type: single nucleotide variant.
Coding change: c.1143T>C on transcript NM_022662.4 (MANE Select); coding-DNA position 1143, T replaced by C.
Protein change: p.His381=; no amino-acid change (histidine 381 retained).
Molecular consequence: synonymous variant.
Genome position (GRCh38, 1-based): chr2:111,862,508, A>G on the plus strand (T>C on the coding strand, the complement: ANAPC1 is on the minus strand). VCF-style: chr2-111862508-A-G. GRCh37 (hg19) VCF-style: chr2-112620085-A-G.
Identifiers: ClinVar variation 2651269 (VCV002651269.24), dbSNP rs778722671, ClinGen allele CA1830618.
Genomic context (GRCh38, chr2:111,862,508, plus strand): 5'-CTCCGTTTCTGGTGCAAGAAAGGAGCCATTAGAATTACTATTTGGAGAATGAGAAATACT[A>G]TGTCTCTTTGGAGACTGATTATGGCTTGAAATGTTGAACCTTTGCACCCCTGAAAAAGAG-3'
Protein context (NP_073153.1, residues 371-391): ISSHNQSPKR[His381=]SISHSPNSNS